The following is an entry in ClinVar:

NM_007294.4(BRCA1):c.2097G>C (p.Glu699Asp)

Gene: BRCA1 (BRCA1 DNA repair associated; minus strand). Cytogenetic location: 17q21.31.
Variant type: single nucleotide variant.
Coding change: c.2097G>C on transcript NM_007294.4 (MANE Select); coding-DNA position 2097, G replaced by C.
Protein change: p.Glu699Asp; replaces glutamic acid 699 with aspartic acid.
Molecular consequence: missense variant. On other transcripts: intron variant (137).
Genome position (GRCh38, 1-based): chr17:43,093,434, C>G on the plus strand (G>C on the coding strand, the complement: BRCA1 is on the minus strand). VCF-style: chr17-43093434-C-G. GRCh37 (hg19) VCF-style: chr17-41245451-C-G.
Other names: c.1884G>C, p.Glu628Asp (NM_001407571.1, NM_001407853.1, NM_001407894.1 and 9 more transcripts); c.2097G>C, p.Glu699Asp (NM_001407581.1, NM_001407582.1, NM_001407583.1 and 30 more transcripts); c.2094G>C, p.Glu698Asp (NM_001407587.1, NM_001407590.1, NM_001407591.1 and 22 more transcripts); c.2088G>C, p.Glu696Asp (NM_001407646.1, NM_001407647.1); c.1974G>C, p.Glu658Asp (NM_001407648.1, NM_001407664.1, NM_001407665.1 and 19 more transcripts); c.1971G>C, p.Glu657Asp (NM_001407649.1, NM_001407670.1, NM_001407671.1 and 11 more transcripts); c.2019G>C, p.Glu673Asp (NM_001407653.1, NM_001407654.1, NM_001407655.1 and 4 more transcripts); c.2016G>C, p.Glu672Asp (NM_001407659.1, NM_001407660.1, NM_001407661.1 and 1 more transcripts); and 41 more; short protein forms E403D, E631D, E658D, E571D, E587D, E588D, E610D, E628D.
Identifiers: ClinVar variation 2794473 (VCV002794473.3), dbSNP rs2154399601, ClinGen allele CA10597808.
Genomic context (GRCh38, chr17:43,093,434, plus strand): 5'-TTTAAGTTCACTGGTATTTGAACACTTAGTAAAAGAACCAGGTGCATTTGTTAACTTCAG[C>G]TCTGGGAAAGTATCGCTGTCATGTCTTTTACTTGTCTGTTCATTTGGCTTGTTACTCTTC-3'
Protein context (NP_009225.1, residues 689-709): SKRHDSDTFP[Glu699Asp]LKLTNAPGSF

ClinVar aggregate classification (germline): Uncertain significance (1 of 4 stars; one submission).

Conditions:
Hereditary breast ovarian cancer syndrome. Also called: Hereditary breast and ovarian cancer syndrome; Hereditary breast and ovarian cancer syndrome (HBOC); Hereditary breast and/or ovarian cancer syndrome; Hereditary breast and ovarian cancer; Breast and ovarian cancer; BRCA1- and BRCA2-Associated Hereditary Breast and Ovarian Cancer. Identifiers: Orphanet 145, MedGen C0677776, MeSH D061325, MONDO:0003582. Disease mechanism: loss of function.

Allele frequency attached by ClinVar (database versions not stated): gnomAD exomes below 0.00001.
gnomAD v4.1: 1 of 1,614,010 alleles (0.000062%); highest among the groups gnomAD compares: African/African-American, 0.0013%; no homozygotes.

Submission:

Labcorp Genetics (formerly Invitae), Labcorp
Classification: Uncertain significance for Hereditary breast ovarian cancer syndrome. Last evaluated: 2022-11-07. Review status: criteria provided, single submitter. Criteria: Invitae Variant Classification Sherloc (09022015). Collection method: clinical testing. Allele origin: germline.
Comment: In summary, the available evidence is currently insufficient to determine the role of this variant in disease. Therefore, it has been classified as a Variant of Uncertain Significance. Advanced modeling of protein sequence and biophysical properties (such as structural, functional, and spatial information, amino acid conservation, physicochemical variation, residue mobility, and thermodynamic stability) performed at Invitae indicates that this missense variant is not expected to disrupt BRCA1 protein function. This variant has not been reported in the literature in individuals affected with BRCA1-related conditions. This variant is not present in population databases (gnomAD no frequency). This sequence change replaces glutamic acid, which is acidic and polar, with aspartic acid, which is acidic and polar, at codon 699 of the BRCA1 protein (p.Glu699Asp).